The following is an entry in ClinVar:

ClinVar aggregate classification (germline): Uncertain significance. Review status: criteria provided, multiple submitters, no conflicts (2 of 4 stars). 2 submissions from 2 submitters: Uncertain significance (2). Last evaluated 2025-11-05.

Conditions:
Inborn genetic diseases. Identifiers: MedGen C0950123, MeSH D030342.

Allele frequency attached by ClinVar (database versions not stated): ExAC 0.00001; gnomAD 0.00001; TOPMed 0.00001.
gnomAD v4.1: 18 of 1,613,686 alleles (0.0011%); highest among the groups gnomAD compares: Non-Finnish European, 0.0014%; no homozygotes.

Submissions (2):

Ambry Genetics
Classification: Uncertain significance for Inborn genetic diseases. Last evaluated: 2025-11-05. Review status: criteria provided, single submitter. Criteria: Ambry Variant Classification Scheme 2023. Collection method: clinical testing. Allele origin: germline.

Labcorp Genetics (formerly Invitae), Labcorp
Classification: Uncertain significance. Last evaluated: 2023-03-13. Review status: criteria provided, single submitter. Criteria: Invitae Variant Classification Sherloc (09022015). Collection method: clinical testing. Allele origin: germline.
Comment: In summary, the available evidence is currently insufficient to determine the role of this variant in disease. Therefore, it has been classified as a Variant of Uncertain Significance. This sequence change replaces serine, which is neutral and polar, with isoleucine, which is neutral and non-polar, at codon 568 of the CSF2RB protein (p.Ser568Ile). This variant is not present in population databases (gnomAD no frequency). This variant has not been reported in the literature in individuals affected with CSF2RB-related conditions. Advanced modeling of protein sequence and biophysical properties (such as structural, functional, and spatial information, amino acid conservation, physicochemical variation, residue mobility, and thermodynamic stability) has been performed at Invitae for this missense variant, however the output from this modeling did not meet the statistical confidence thresholds required to predict the impact of this variant on CSF2RB protein function.

NM_000395.3(CSF2RB):c.1703G>T (p.Ser568Ile)

Gene: CSF2RB (colony stimulating factor 2 receptor subunit beta; plus strand). Cytogenetic location: 22q12.3.
Variant type: single nucleotide variant.
Coding change: c.1703G>T on transcript NM_000395.3 (MANE Select); coding-DNA position 1703, G replaced by T.
Protein change: p.Ser568Ile; replaces serine 568 with isoleucine.
Molecular consequence: missense variant.
Genome position (GRCh38, 1-based): chr22:36,937,511, G>T. VCF-style: chr22-36937511-G-T. GRCh37 (hg19) VCF-style: chr22-37333553-G-T.
Other names: c.1703G>T (NM_000395.2); c.1721G>T, p.Ser574Ile (NM_001410827.1); short protein forms S568I, S574I.
Identifiers: ClinVar variation 2904331 (VCV002904331.4), dbSNP rs779045402, ClinGen allele CA10213966.
Genomic context (GRCh38, chr22:36,937,511, plus strand): 5'-CACCATCTGGGCCTGACACGACTCCAGCTGCCTCAGATCTACCCACAGAGCAGCCCCCCA[G>T]CCCCCAGCCAGGCCCGCCTGCCGCCTCCCACACACCTGAGAAACAGGCTTCCAGCTTTGA-3'
Protein context (NP_000386.1, residues 558-578): ASDLPTEQPP[Ser568Ile]PQPGPPAASH